The following is an entry in ClinVar:

ClinVar aggregate classification (germline): Uncertain significance (1 of 4 stars; one submission).

gnomAD v4.1: 1 of 1,614,030 alleles (0.000062%); highest among the groups gnomAD compares: Non-Finnish European, 0.000085%; no homozygotes.

Submission:

GeneDx
Classification: Uncertain significance. Last evaluated: 2024-10-07. Review status: criteria provided, single submitter. Criteria: GeneDx Variant Classification Process June 2021. Collection method: clinical testing. Allele origin: germline. Affected: yes.
Comment: Not observed at significant frequency in large population cohorts (gnomAD); In silico analysis indicates that this missense variant does not alter protein structure/function; Has not been previously published as pathogenic or benign to our knowledge

NM_001134407.3(GRIN2A):c.965G>A (p.Gly322Glu)

Gene: GRIN2A (glutamate ionotropic receptor NMDA type subunit 2A; minus strand). Cytogenetic location: 16p13.2.
Variant type: single nucleotide variant.
Coding change: c.965G>A on transcript NM_001134407.3 (MANE Select); coding-DNA position 965, G replaced by A.
Protein change: p.Gly322Glu; replaces glycine 322 with glutamic acid.
Molecular consequence: missense variant.
Genome position (GRCh38, 1-based): chr16:9,938,001, C>T on the plus strand (G>A on the coding strand, the complement: GRIN2A is on the minus strand). VCF-style: chr16-9938001-C-T. GRCh37 (hg19) VCF-style: chr16-10031858-C-T.
Other names: c.965G>A, p.Gly322Glu (NM_000833.5, NM_001134408.2); short protein forms G322E.
Identifiers: ClinVar variation 3776737 (VCV003776737.1).